The following is an entry in ClinVar:

NM_000051.4(ATM):c.6204del (p.Leu2068fs)

Genes: ATM (ATM serine/threonine kinase; plus strand), C11orf65 (chromosome 11 open reading frame 65; minus strand). Cytogenetic location: 11q22.3.
Variant type: Deletion.
Coding change: c.6204del on transcript NM_000051.4 (MANE Select); coding-DNA position 6204, one base deleted (G; older notation c.6204delG).
Protein change: p.Leu2068fs; shifts the reading frame from leucine 2068.
Molecular consequence: frameshift variant. On other transcripts: intron variant (2).
Genome position (GRCh38, 1-based): chr11:108,317,378, G deleted. VCF-style (leftmost placement, unchanged base first): chr11-108317377-TG-T. GRCh37 (hg19) VCF-style: chr11-108188104-TG-T.
Other names: c.6204del, p.Leu2068fs (NM_001351834.2); c.641-8307del (NM_001330368.2); c.*39-8307del (NM_001351110.2); short protein forms L2068fs.
Identifiers: ClinVar variation 4814653 (VCV004814653.1).
Genomic context (GRCh38, chr11:108,317,377, plus strand): 5'-GTTTTCTGTTGATATCTTTGATTACTTAACTTAAAAACAAAATAACTCCTGTTTAGGCCT[TG>T]CAGAATTTGGGACTCTGCCATATTCTTTCCGTCTATTTAAAAGGATTGGATTATGAAAAT-3'

ClinVar aggregate classification (germline): Likely pathogenic (1 of 4 stars; one submission).

Conditions:
Ataxia-telangiectasia syndrome (AT). Also called: LOUIS-BAR SYNDROME; Cerebello-oculocutaneous telangiectasia; Immunodeficiency with ataxia telangiectasia; Ataxia-telangiectasia, complementation group D; AT, COMPLEMENTATION GROUP C; ATAXIA-TELANGIECTASIA, COMPLEMENTATION GROUP A. Identifiers: Orphanet 100, MedGen C0004135, MONDO:0008840, OMIM 208900.

Submission:

Natera, Inc.
Classification: Likely pathogenic for Ataxia-telangiectasia. Last evaluated: 2024-04-29. Review status: criteria provided, single submitter. Criteria: Natera Variant Classification Schema (03/2026). Collection method: clinical testing. Allele origin: germline.
Comment: The c.6204delG variant in ATM is a frameshift variant predicted to shift the reading frame beginning at codon 2068 and leads to a stop codon 14 codons downstream. This variant is expected to result in nonsense mediated decay, truncation, or a dysfunctional protein product. This variant is rare in the general population with a frequency below the threshold expected for the associated phenotype(s). Given the available evidence, this variant is classified as Likely Pathogenic.